The following is an entry in ClinVar:

ClinVar aggregate classification (germline): Uncertain significance (1 of 4 stars; one submission).

Allele frequency attached by ClinVar (database versions not stated): gnomAD 0.00001; TOPMed 0.00001.
gnomAD v4.1: 1 of 1,613,838 alleles (0.000062%); highest among the groups gnomAD compares: Non-Finnish European, 0.000085%; no homozygotes.

Submission:

Labcorp Genetics (formerly Invitae), Labcorp
Classification: Uncertain significance. Last evaluated: 2021-03-13. Review status: criteria provided, single submitter. Criteria: Invitae Variant Classification Sherloc (09022015). Collection method: clinical testing. Allele origin: germline.
Comment: In summary, the available evidence is currently insufficient to determine the role of this variant in disease. Therefore, it has been classified as a Variant of Uncertain Significance. Algorithms developed to predict the effect of sequence changes on RNA splicing suggest that this variant may create or strengthen a splice site, but this prediction has not been confirmed by published transcriptional studies. Algorithms developed to predict the effect of missense changes on protein structure and function output the following: SIFT: "Tolerated"; PolyPhen-2: "Benign"; Align-GVGD: "Class C0". The alanine amino acid residue is found in multiple mammalian species, suggesting that this missense change does not adversely affect protein function. These predictions have not been confirmed by published functional studies and their clinical significance is uncertain. This variant has not been reported in the literature in individuals with DMXL2-related conditions. This variant is not present in population databases (ExAC no frequency). This sequence change replaces threonine with alanine at codon 1326 of the DMXL2 protein (p.Thr1326Ala). The threonine residue is moderately conserved and there is a small physicochemical difference between threonine and alanine.

NM_001378457.1(DMXL2):c.3976A>G (p.Thr1326Ala)

Gene: DMXL2 (Dmx like 2; minus strand). Cytogenetic location: 15q21.2.
Variant type: single nucleotide variant.
Coding change: c.3976A>G on transcript NM_001378457.1 (MANE Select); coding-DNA position 3976, A replaced by G.
Protein change: p.Thr1326Ala; replaces threonine 1326 with alanine.
Molecular consequence: missense variant. On other transcripts: non-coding transcript variant (2), intron variant (2).
Genome position (GRCh38, 1-based): chr15:51,499,248, T>C on the plus strand (A>G on the coding strand, the complement: DMXL2 is on the minus strand). VCF-style: chr15-51499248-T-C. GRCh37 (hg19) VCF-style: chr15-51791445-T-C.
Other names: c.3976A>G, p.Thr1326Ala (NM_001174116.3, NM_001378458.1, NM_001378459.1 and 4 more transcripts); c.3736A>G, p.Thr1246Ala (NM_001378464.1); c.2765-7501A>G (NM_001378460.1); c.2765-4114A>G (NM_001174117.3); short protein forms T1326A, T1246A.
Identifiers: ClinVar variation 1516488 (VCV001516488.8), dbSNP rs1014186205, ClinGen allele CA270573990.